The following is an entry in ClinVar:

ClinVar aggregate classification (germline): Likely benign (1 of 4 stars; one submission).

gnomAD v4.1: 1 of 1,614,066 alleles (0.000062%); highest among the groups gnomAD compares: African/African-American, 0.0013%; no homozygotes.

Submission:

Mayo Clinic Laboratories, Mayo Clinic
Classification: Likely benign. Last evaluated: 2025-10-18. Review status: criteria provided, single submitter. Criteria: ACMG Guidelines, 2015. Collection method: clinical testing. Allele origin: germline. Observed: 1 variant allele.
Comment: BP4, BP7, PM2_supporting

NM_000089.4(COL1A2):c.354T>C (p.Gly118=)

Gene: COL1A2 (collagen type I alpha 2 chain; plus strand). Cytogenetic location: 7q21.3.
Variant type: single nucleotide variant.
Coding change: c.354T>C on transcript NM_000089.4 (MANE Select); coding-DNA position 354, T replaced by C.
Protein change: p.Gly118=; no amino-acid change (glycine 118 retained).
Molecular consequence: synonymous variant.
Genome position (GRCh38, 1-based): chr7:94,404,722, T>C. VCF-style: chr7-94404722-T-C. GRCh37 (hg19) VCF-style: chr7-94034034-T-C.
Other names: p.Gly118=.
Identifiers: ClinVar variation 4683291 (VCV004683291.1).